The following is an entry in ClinVar:

NM_020177.3(FEM1C):c.1103A>G (p.Gln368Arg)

Gene: FEM1C (fem-1 homolog C; minus strand). Cytogenetic location: 5q22.3.
Variant type: single nucleotide variant.
Coding change: c.1103A>G on transcript NM_020177.3 (MANE Select); coding-DNA position 1103, A replaced by G.
Protein change: p.Gln368Arg; replaces glutamine 368 with arginine.
Molecular consequence: missense variant.
Genome position (GRCh38, 1-based): chr5:115,525,059, T>C on the plus strand (A>G on the coding strand, the complement: FEM1C is on the minus strand). VCF-style: chr5-115525059-T-C. GRCh37 (hg19) VCF-style: chr5-114860756-T-C.
Other names: short protein forms Q368R.
Identifiers: ClinVar variation 2429060 (VCV002429060.4), dbSNP rs2479731816, ClinGen allele CA360708633.

ClinVar aggregate classification (germline): Uncertain significance (1 of 4 stars; one submission).

Submission:

Greenwood Genetic Center Diagnostic Laboratories, Greenwood Genetic Center
Classification: Uncertain significance. Last evaluated: 2022-10-10. Review status: criteria provided, single submitter. Criteria: ACMG Guidelines, 2015. Collection method: clinical testing. Allele origin: germline. Affected: yes.
Comment: Gene of Uncertain Significance